The following is an entry in ClinVar:

ClinVar aggregate classification (germline): Uncertain significance (1 of 4 stars; one submission).

Submission:

Labcorp Genetics (formerly Invitae), Labcorp
Classification: Uncertain significance. Last evaluated: 2025-11-05. Review status: criteria provided, single submitter. Criteria: Invitae Variant Classification Sherloc (09022015). Collection method: clinical testing. Allele origin: germline.
Comment: This sequence change replaces threonine, which is neutral and polar, with alanine, which is neutral and non-polar, at codon 239 of the BACH2 protein (p.Thr239Ala). This variant is not present in population databases (gnomAD no frequency). This variant has not been reported in the literature in individuals affected with BACH2-related conditions. Invitae Evidence Modeling of protein sequence and biophysical properties (such as structural, functional, and spatial information, amino acid conservation, physicochemical variation, residue mobility, and thermodynamic stability) indicates that this missense variant is not expected to disrupt BACH2 protein function with a negative predictive value of 80%. In summary, the available evidence is currently insufficient to determine the role of this variant in disease. Therefore, it has been classified as a Variant of Uncertain Significance.

NM_021813.4(BACH2):c.715A>G (p.Thr239Ala)

Gene: BACH2 (BACH transcriptional regulator 2; minus strand). Cytogenetic location: 6q15.
Variant type: single nucleotide variant.
Coding change: c.715A>G on transcript NM_021813.4 (MANE Select); coding-DNA position 715, A replaced by G.
Protein change: p.Thr239Ala; replaces threonine 239 with alanine.
Molecular consequence: missense variant.
Genome position (GRCh38, 1-based): chr6:89,951,391, T>C on the plus strand (A>G on the coding strand, the complement: BACH2 is on the minus strand). VCF-style: chr6-89951391-T-C. GRCh37 (hg19) VCF-style: chr6-90661110-T-C.
Other names: c.715A>G, p.Thr239Ala (NM_001170794.2); short protein forms T239A.
Identifiers: ClinVar variation 4764703 (VCV004764703.1).